The following is an entry in ClinVar:

ClinVar aggregate classification (germline): Uncertain significance. Review status: criteria provided, multiple submitters, no conflicts (2 of 4 stars). 3 submissions from 3 submitters: Uncertain significance (3). Last evaluated 2024-01-19.

Conditions:
Charcot-Marie-Tooth disease. Also called: Charcot-Marie-Tooth Hereditary Neuropathy; Charcot-Marie-Tooth Neuropathy. Identifiers: Orphanet 166, MedGen C0007959, MONDO:0015626.
Inborn genetic diseases. Identifiers: MedGen C0950123, MeSH D030342.
Charcot-Marie-Tooth disease type 4A. Also called: Charcot-Marie-Tooth disease, demyelinating, autosomal recessive, type 4a. Identifiers: Orphanet 99948, MedGen C1859198, MONDO:0008961, OMIM 214400.

Allele frequency attached by ClinVar (database versions not stated): TOPMed below 0.00001; ExAC 0.00001.
gnomAD v4.1: 3 of 1,613,836 alleles (0.00019%); highest among the groups gnomAD compares: South Asian, 0.0011%; no homozygotes.

Submissions (3):

Labcorp Genetics (formerly Invitae), Labcorp
Classification: Uncertain significance for Charcot-Marie-Tooth disease type 4A. Last evaluated: 2024-01-19. Review status: criteria provided, single submitter. Criteria: Invitae Variant Classification Sherloc (09022015). Collection method: clinical testing. Allele origin: germline.
Comment: This sequence change replaces methionine, which is neutral and non-polar, with isoleucine, which is neutral and non-polar, at codon 69 of the GDAP1 protein (p.Met69Ile). This variant is present in population databases (rs770714080, gnomAD 0.0009%). This variant has not been reported in the literature in individuals affected with GDAP1-related conditions. ClinVar contains an entry for this variant (Variation ID: 917003). An algorithm developed to predict the effect of missense changes on protein structure and function (PolyPhen-2) suggests that this variant is likely to be disruptive. In summary, the available evidence is currently insufficient to determine the role of this variant in disease. Therefore, it has been classified as a Variant of Uncertain Significance.

Ambry Genetics
Classification: Uncertain significance for Inborn genetic diseases. Last evaluated: 2022-12-22. Review status: criteria provided, single submitter. Criteria: Ambry Variant Classification Scheme 2023. Collection method: clinical testing. Allele origin: germline.

Molecular Genetics Laboratory, London Health Sciences Centre
Classification: Uncertain significance for Charcot-Marie-Tooth disease. Review status: criteria provided, single submitter. Criteria: ACMG Guidelines, 2015. Collection method: clinical testing. Allele origin: germline. Affected: yes.

NM_018972.4(GDAP1):c.207G>A (p.Met69Ile)

Gene: GDAP1 (ganglioside induced differentiation associated protein 1; plus strand). Cytogenetic location: 8q21.11.
Variant type: single nucleotide variant.
Coding change: c.207G>A on transcript NM_018972.4 (MANE Select); coding-DNA position 207, G replaced by A.
Protein change: p.Met69Ile; replaces methionine 69 with isoleucine.
Molecular consequence: missense variant. On other transcripts: initiator codon variant (1), intron variant (2).
Genome position (GRCh38, 1-based): chr8:74,351,363, G>A. VCF-style: chr8-74351363-G-A. GRCh37 (hg19) VCF-style: chr8-75263598-G-A.
Other names: c.3G>A, p.Met1Ile (NM_001040875.4); c.207G>A, p.Met69Ile (NM_001362930.2, NM_001362931.2); c.-18+42G>A (NM_001362929.2); c.-18+785G>A (NM_001362932.2); short protein forms M1I, M69I.
Identifiers: ClinVar variation 917003 (VCV000917003.7), dbSNP rs770714080, ClinGen allele CA4785055.
Genomic context (GRCh38, chr8:74,351,363, plus strand): 5'-GAAGTGCGAGGAACATGATGTAAGTCTGCCCTTGAGTGAGCACAATGAGCCTTGGTTTAT[G>A]CGTTTGAACTCAACTGGAGAAGTGCCTGTCCTTATCCACGGGGAAAACATAATTTGTGAG-3'
Protein context (NP_061845.2, residues 59-79): PLSEHNEPWF[Met69Ile]RLNSTGEVPV